The following is an entry in ClinVar:

NM_002755.4(MAP2K1):c.332T>C (p.Ile111Thr)

Gene: MAP2K1 (mitogen-activated protein kinase kinase 1; plus strand). Cytogenetic location: 15q22.31.
Variant type: single nucleotide variant.
Coding change: c.332T>C on transcript NM_002755.4 (MANE Select); coding-DNA position 332, T replaced by C.
Protein change: p.Ile111Thr; replaces isoleucine 111 with threonine.
Molecular consequence: missense variant.
Genome position (GRCh38, 1-based): chr15:66,436,786, T>C. VCF-style: chr15-66436786-T-C. GRCh37 (hg19) VCF-style: chr15-66729124-T-C.
Other names: c.266T>C, p.Ile89Thr (NM_001411065.1); short protein forms I111T, I89T.
Identifiers: ClinVar variation 3390795 (VCV003390795.1).
Genomic context (GRCh38, chr15:66,436,786, plus strand): 5'-TTTCTTCCACCTTTCTCCAGCTAATTCATCTGGAGATCAAACCCGCAATCCGGAACCAGA[T>C]CATAAGGGAGCTGCAGGTTCTGCATGAGTGCAACTCTCCGTACATCGTGGGCTTCTATGG-3'
Protein context (NP_002746.1, residues 101-121): LEIKPAIRNQ[Ile111Thr]IRELQVLHEC

ClinVar aggregate classification (germline): Uncertain significance (1 of 4 stars; one submission).

Submission:

GeneDx
Classification: Uncertain significance. Last evaluated: 2024-06-12. Review status: criteria provided, single submitter. Criteria: GeneDx Variant Classification Process June 2021. Collection method: clinical testing. Allele origin: germline. Affected: yes.
Comment: Not observed at significant frequency in large population cohorts (gnomAD); Missense variants in this gene are a common cause of disease and they are underrepresented in the general population; In silico analysis supports that this missense variant has a deleterious effect on protein structure/function; Has not been previously published as pathogenic or benign to our knowledge